The following is an entry in ClinVar:

ClinVar aggregate classification (germline): Uncertain significance (1 of 4 stars; one submission).

Submission:

Ambry Genetics
Classification: Uncertain significance. Last evaluated: 2023-10-01. Review status: criteria provided, single submitter. Criteria: Ambry Variant Classification Scheme 2023. Collection method: clinical testing. Allele origin: germline.
Comment: The p.L1057W variant (also known as c.3170T>G), located in coding exon 4 of the ALPK2 gene, results from a T to G substitution at nucleotide position 3170. The leucine at codon 1057 is replaced by tryptophan, an amino acid with similar properties. This amino acid position is conserved. In addition, this alteration is predicted to be tolerated by in silico analysis. Since supporting evidence is limited at this time, the clinical significance of this alteration remains unclear.

NM_052947.4(ALPK2):c.3170T>G (p.Leu1057Trp)

Gene: ALPK2 (alpha kinase 2; minus strand). Cytogenetic location: 18q21.31.
Variant type: single nucleotide variant.
Coding change: c.3170T>G on transcript NM_052947.4 (MANE Select); coding-DNA position 3170, T replaced by G.
Protein change: p.Leu1057Trp; replaces leucine 1057 with tryptophan.
Molecular consequence: missense variant.
Genome position (GRCh38, 1-based): chr18:58,537,017, A>C on the plus strand (T>G on the coding strand, the complement: ALPK2 is on the minus strand). VCF-style: chr18-58537017-A-C. GRCh37 (hg19) VCF-style: chr18-56204249-A-C.
Other names: short protein forms L1057W.
Identifiers: ClinVar variation 3228677 (VCV003228677.1), dbSNP rs2518876796, ClinGen allele CA402568956.